The following is an entry in ClinVar:

NM_002878.4(RAD51D):c.607G>T (p.Val203Leu)

Genes: RAD51D (RAD51 paralog D; minus strand), RAD51L3-RFFL (RAD51L3-RFFL readthrough; minus strand). Cytogenetic location: 17q12.
Variant type: single nucleotide variant.
Coding change: c.607G>T on transcript NM_002878.4 (MANE Select); coding-DNA position 607, G replaced by T.
Protein change: p.Val203Leu; replaces valine 203 with leucine.
Molecular consequence: missense variant. On other transcripts: non-coding transcript variant (3).
Genome position (GRCh38, 1-based): chr17:35,103,514, C>A on the plus strand (G>T on the coding strand, the complement: RAD51D is on the minus strand). VCF-style: chr17-35103514-C-A. GRCh37 (hg19) VCF-style: chr17-33430533-C-A.
Other names: c.667G>T, p.Val223Leu (NM_001142571.2); c.271G>T, p.Val91Leu (NM_133629.3); short protein forms V203L, V223L, V91L.
Identifiers: ClinVar variation 3222886 (VCV003222886.1), dbSNP rs730881947, ClinGen allele CA399087939.

ClinVar aggregate classification (germline): Uncertain significance (1 of 4 stars; one submission).

Conditions:
Hereditary cancer-predisposing syndrome. Also called: Tumor predisposition; Hereditary neoplastic syndrome; Hereditary Cancer Syndrome; Neoplastic Syndromes, Hereditary. Identifiers: Orphanet 140162, MedGen C0027672, MeSH D009386, MONDO:0015356.

Submission:

Ambry Genetics
Classification: Uncertain significance for Hereditary cancer-predisposing syndrome. Last evaluated: 2023-11-21. Review status: criteria provided, single submitter. Criteria: Ambry Variant Classification Scheme 2023. Collection method: clinical testing. Allele origin: germline.
Comment: The p.V203L variant (also known as c.607G>T), located in coding exon 7 of the RAD51D gene, results from a G to T substitution at nucleotide position 607. The valine at codon 203 is replaced by leucine, an amino acid with highly similar properties. This amino acid position is conserved. In addition, this alteration is predicted to be tolerated by in silico analysis. Since supporting evidence is limited at this time, the clinical significance of this alteration remains unclear.